The following is an entry in ClinVar:

NM_004304.5(ALK):c.1978C>G (p.Pro660Ala)

Gene: ALK (ALK receptor tyrosine kinase; minus strand). Cytogenetic location: 2p23.2.
Variant type: single nucleotide variant.
Coding change: c.1978C>G on transcript NM_004304.5 (MANE Select); coding-DNA position 1978, C replaced by G.
Protein change: p.Pro660Ala; replaces proline 660 with alanine.
Molecular consequence: missense variant.
Genome position (GRCh38, 1-based): chr2:29,275,162, G>C on the plus strand (C>G on the coding strand, the complement: ALK is on the minus strand). VCF-style: chr2-29275162-G-C. GRCh37 (hg19) VCF-style: chr2-29498028-G-C.
Other names: short protein forms P660A.
Identifiers: ClinVar variation 1064279 (VCV001064279.13), dbSNP rs1321508395, ClinGen allele CA346479693.

ClinVar aggregate classification (germline): Uncertain significance. Review status: criteria provided, multiple submitters, no conflicts (2 of 4 stars). 3 submissions from 3 submitters: Uncertain significance (3). Last evaluated 2026-02-02.

Conditions:
Hereditary cancer-predisposing syndrome. Also called: Tumor predisposition; Neoplastic Syndromes, Hereditary; Hereditary Cancer Syndrome; Hereditary neoplastic syndrome. Identifiers: Orphanet 140162, MedGen C0027672, MeSH D009386, MONDO:0015356.
Neuroblastoma, susceptibility to, 3. Also called: ALK-Related Neuroblastic Tumor Susceptibility. Identifiers: Orphanet 635, MedGen C2751681, MONDO:0013083, OMIM 613014.

Allele frequency attached by ClinVar (database versions not stated): gnomAD exomes 0.00001.
gnomAD v4.1: 3 of 1,614,076 alleles (0.00019%); highest among the groups gnomAD compares: Admixed American, 0.005%; no homozygotes.

Submissions (3):

Labcorp Genetics (formerly Invitae), Labcorp
Classification: Uncertain significance for Neuroblastoma, susceptibility to, 3. Last evaluated: 2026-02-02. Review status: criteria provided, single submitter. Criteria: Invitae Variant Classification Sherloc (09022015). Collection method: clinical testing. Allele origin: germline.
Comment: This sequence change replaces proline, which is neutral and non-polar, with alanine, which is neutral and non-polar, at codon 660 of the ALK protein (p.Pro660Ala). This variant is present in population databases (no rsID available, gnomAD 0.009%). This variant has not been reported in the literature in individuals affected with ALK-related conditions. ClinVar contains an entry for this variant (Variation ID: 1064279). An algorithm developed to predict the effect of missense changes on protein structure and function (PolyPhen-2) suggests that this variant is likely to be tolerated. In summary, the available evidence is currently insufficient to determine the role of this variant in disease. Therefore, it has been classified as a Variant of Uncertain Significance.

Ambry Genetics
Classification: Uncertain significance for Hereditary cancer-predisposing syndrome. Last evaluated: 2025-01-08. Review status: criteria provided, single submitter. Criteria: Ambry Variant Classification Scheme 2023. Collection method: clinical testing. Allele origin: germline.
Comment: The p.P660A variant (also known as c.1978C>G), located in coding exon 11 of the ALK gene, results from a C to G substitution at nucleotide position 1978. The proline at codon 660 is replaced by alanine, an amino acid with highly similar properties. This amino acid position is conserved. In addition, this alteration is predicted to be tolerated by in silico analysis. Since supporting evidence is limited at this time, the clinical significance of this alteration remains unclear.

Baylor Genetics
Classification: Uncertain significance for Neuroblastoma, susceptibility to, 3. Last evaluated: 2023-10-01. Review status: criteria provided, single submitter. Criteria: ACMG Guidelines, 2015. Collection method: clinical testing. Allele origin: unknown.